The following is an entry in ClinVar:

NM_005892.4(FMNL1):c.1920C>T (p.Phe640=)

Gene: FMNL1 (formin like 1; plus strand). Cytogenetic location: 17q21.31.
Variant type: single nucleotide variant.
Coding change: c.1920C>T on transcript NM_005892.4 (MANE Select); coding-DNA position 1920, C replaced by T.
Protein change: p.Phe640=; no amino-acid change (phenylalanine 640 retained).
Molecular consequence: synonymous variant.
Genome position (GRCh38, 1-based): chr17:45,242,375, C>T. VCF-style: chr17-45242375-C-T. GRCh37 (hg19) VCF-style: chr17-43319742-C-T.
Other names: c.1920C>T, p.Phe640= (NM_001411128.1).
Identifiers: ClinVar variation 2647846 (VCV002647846.24), dbSNP rs946321398, ClinGen allele CA291050559.

ClinVar aggregate classification (germline): Likely benign (1 of 4 stars; one submission).

Allele frequency attached by ClinVar (database versions not stated): gnomAD exomes 0.00001; gnomAD 0.00003; TOPMed 0.00004.

Submission:

CeGaT Center for Human Genetics Tuebingen
Classification: Likely benign. Last evaluated: 2022-06-01. Review status: criteria provided, single submitter. Criteria: CeGaT Center For Human Genetics Tuebingen Variant Classification Criteria Version 2. Collection method: clinical testing. Allele origin: germline. Affected: yes. Observed: 1 variant allele.
Comment: FMNL1: BP4, BP7